The following is an entry in ClinVar:

NM_001609.4(ACADSB):c.1165A>G (p.Met389Val)

Gene: ACADSB (acyl-CoA dehydrogenase short/branched chain; plus strand). Cytogenetic location: 10q26.13.
Variant type: single nucleotide variant.
Coding change: c.1165A>G on transcript NM_001609.4 (MANE Select); coding-DNA position 1165, A replaced by G.
Protein change: p.Met389Val; replaces methionine 389 with valine.
Molecular consequence: missense variant.
Genome position (GRCh38, 1-based): chr10:123,053,097, A>G. VCF-style: chr10-123053097-A-G. GRCh37 (hg19) VCF-style: chr10-124812613-A-G.
Other names: c.859A>G, p.Met287Val (NM_001330174.3); short protein forms M287V, M389V.
Identifiers: ClinVar variation 664690 (VCV000664690.21), dbSNP rs201877440, ClinGen allele CA5730948.

ClinVar aggregate classification (germline): Pathogenic. Review status: criteria provided, multiple submitters, no conflicts (2 of 4 stars). 7 submissions from 7 submitters: Pathogenic (6). 1 of the submissions does not count toward it. Last evaluated 2025-08-20.

Conditions:
Deficiency of 2-methylbutyryl-CoA dehydrogenase (ACADSB). Also called: 2-methylbutyrylglycinuria; 2-methylbutyryl-CoA dehydrogenase deficiency; SBCAD deficiency; 2-methylbutyric aciduria; Short branched-chain acyl-CoA dehydrogenase deficiency. Identifiers: Orphanet 79157, MedGen C1864912, MONDO:0012392, OMIM 610006, HP:0020147.

Allele frequency attached by ClinVar (database versions not stated): ExAC 0.00002; gnomAD 0.00004 and 0.00005; TOPMed 0.00004; 1000 Genomes Project 0.00020; 1000 Genomes Project 30x 0.00016.
gnomAD v4.1: 62 of 1,613,990 alleles (0.0038%); highest among the groups gnomAD compares: East Asian, 0.033%; no homozygotes.

Submissions (7):

Labcorp Genetics (formerly Invitae), Labcorp
Classification: Pathogenic for Deficiency of 2-methylbutyryl-CoA dehydrogenase. Last evaluated: 2025-08-20. Review status: criteria provided, single submitter. Criteria: Invitae Variant Classification Sherloc (09022015). Collection method: clinical testing. Allele origin: germline.
Comment: This sequence change replaces methionine, which is neutral and non-polar, with valine, which is neutral and non-polar, at codon 389 of the ACADSB protein (p.Met389Val). RNA analysis indicates that this missense change induces altered splicing and likely disrupts the C-terminus of the protein. This variant is present in population databases (rs201877440, gnomAD 0.05%). This variant has been observed both as homozygous and in combination with another ACADSB variant in multiple individuals affected with SCAD deficiency and it is a known to be a highly prevalent variant in the Hmong population (PMID: 12837870, 23712021, internal data). ClinVar contains an entry for this variant (Variation ID: 664690). Invitae Evidence Modeling of protein sequence and biophysical properties (such as structural, functional, and spatial information, amino acid conservation, physicochemical variation, residue mobility, and thermodynamic stability) has been performed for this missense variant. However, the output from this modeling did not meet the statistical confidence thresholds required to predict the impact of this variant on ACADSB protein function. Studies have shown that this missense change results in skipping of exon 10 and introduces a new termination codon (PMID: 12837870). However the mRNA is not expected to undergo nonsense-mediated decay. For these reasons, this variant has been classified as Pathogenic.

Fulgent Genetics
Classification: Pathogenic for Deficiency of 2-methylbutyryl-CoA dehydrogenase. Last evaluated: 2024-05-07. Review status: criteria provided, single submitter. Criteria: ACMG Guidelines, 2015. Collection method: clinical testing. Allele origin: germline.

Revvity Omics, Revvity
Classification: Pathogenic for Deficiency of 2-methylbutyryl-CoA dehydrogenase. Last evaluated: 2023-12-20. Review status: criteria provided, single submitter. Criteria: ACMG Guidelines, 2015. Collection method: clinical testing. Allele origin: germline.

Women's Health and Genetics/Laboratory Corporation of America, LabCorp
Classification: Pathogenic for Deficiency of 2-methylbutyryl-CoA dehydrogenase. Last evaluated: 2023-12-05. Review status: criteria provided, single submitter. Criteria: LabCorp Variant Classification Summary - May 2015. Collection method: clinical testing. Allele origin: germline.
Comment: Variant summary: ACADSB c.1165A>G (p.Met389Val) results in a conservative amino acid change located in the C-terminal domain (IPR009075) of the encoded protein sequence. Three of five in-silico tools predict a damaging effect of the variant on protein function. At least one publication reported experimental evidence, and demonstrated using patient derived mRNA that this variant affects mRNA splicing, resulting in the skipping of exon 10 (Matern_2003), which is the penultimate exon (corresponding to amino acids 377-409) of the ACADSB gene, thus skipping of this exon is not expected to result in nonsense-mediated decay, but is predicted to disrupt the C-terminal part of the 432 amino acids long protein. The variant allele was found at a frequency of 5.2e-05 in 251428 control chromosomes (gnomAD). This frequency is not higher than the estimated maximum expected for a pathogenic variant in ACADSB causing Deficiency of 2-methylbutyryl-CoA Dehydrogenase (0.0011), allowing no conclusion about variant significance. The variant, c.1165A>G, has been described as a founder mutation in the Hmong population and was found in numerous homozygous individuals affected with enzyme deficiency of 2-methylbutyryl-CoA dehydrogenase, who were reported almost always to be clinically asymptomatic (e.g. Matern_2003, Van Alcar_2013, Porta_2019). The following publications have been ascertained in the context of this evaluation (PMID: 12837870, 23712021, 30730842). Three submitters have cited clinical-significance assessments for this variant to ClinVar after 2014. All submitters classified the variant as pathogenic. Based on the evidence outlined above, the variant was classified as pathogenic.

GeneDx
Classification: Pathogenic. Last evaluated: 2021-11-12. Review status: criteria provided, single submitter. Criteria: GeneDx Variant Classification Process June 2021. Collection method: clinical testing. Allele origin: germline. Affected: yes.
Comment: In silico analysis supports that this missense variant has a deleterious effect on protein structure/function; This variant is associated with the following publications: (PMID: 27550897, 17883863, 23712021, 17945527, 16950638, 34426522, 32778825, 31737040, 30904546, 31555323, 12837870)

Juno Genomics, Hangzhou Juno Genomics, Inc
Classification: Pathogenic for Deficiency of 2-methylbutyryl-CoA dehydrogenase. Review status: criteria provided, single submitter. Criteria: ACMG Guidelines, 2015. Collection method: clinical testing. Allele origin: germline.
Comment: Absent from controls (or at extremely low frequency if recessive) in Genome Aggregation Database.;Null variant in a gene where loss of function (LOF) is a known mechanism of disease.;For recessive disorders, detected in trans with a pathogenic variant.;Patient's phenotype or family history is highly specific for a disease with a single genetic etiology.

Neonatal Disease Screening Center, Medical Genetics Center, Huaihua City Maternal and Child Health Care Hospital
Classification: Pathogenic for Deficiency of 2-methylbutyryl-CoA dehydrogenase. Review status: no assertion criteria provided. Criteria: ACMG Guidelines, 2015. Collection method: clinical testing. Allele origin: germline. Affected: yes. Observed: 29 variant alleles. Not counted in ClinVar's aggregate classification.
Comment: PS3+PS4+PP1_M+PP4

Literature cited by the submitters: PubMed 12837870 (cited by Labcorp Genetics (formerly Invitae), Labcorp and Women's Health and Genetics/Laboratory Corporation of America, LabCorp); PubMed 23712021 (cited by Labcorp Genetics (formerly Invitae), Labcorp and Women's Health and Genetics/Laboratory Corporation of America, LabCorp); PubMed 30730842 (cited by Women's Health and Genetics/Laboratory Corporation of America, LabCorp).